The following is an entry in ClinVar:

NM_139319.3(SLC17A8):c.658G>C (p.Ala220Pro)

Gene: SLC17A8 (solute carrier family 17 member 8; plus strand). Cytogenetic location: 12q23.1.
Variant type: single nucleotide variant.
Coding change: c.658G>C on transcript NM_139319.3 (MANE Select); coding-DNA position 658, G replaced by C.
Protein change: p.Ala220Pro; replaces alanine 220 with proline.
Molecular consequence: missense variant.
Genome position (GRCh38, 1-based): chr12:100,396,399, G>C. VCF-style: chr12-100396399-G-C. GRCh37 (hg19) VCF-style: chr12-100790177-G-C.
Other names: c.658G>C, p.Ala220Pro (NM_001145288.2); short protein forms A220P.
Identifiers: ClinVar variation 3901775 (VCV003901775.1).

ClinVar aggregate classification (germline): Uncertain significance (1 of 4 stars; one submission).

gnomAD v4.1: 3 of 1,613,942 alleles (0.00019%); highest among the groups gnomAD compares: Non-Finnish European, 0.00025%; no homozygotes.

Submission:

GeneDx
Classification: Uncertain significance. Last evaluated: 2024-12-09. Review status: criteria provided, single submitter. Criteria: GeneDx Variant Classification Process June 2021. Collection method: clinical testing. Allele origin: germline. Affected: yes.
Comment: Not observed at significant frequency in large population cohorts (gnomAD); In silico analysis supports that this missense variant has a deleterious effect on protein structure/function; Has not been previously published as pathogenic or benign to our knowledge